The following is an entry in ClinVar:

NM_021076.4(NEFH):c.2814dup (p.Lys939fs)

Gene: NEFH (neurofilament heavy chain; plus strand). Cytogenetic location: 22q12.2.
Variant type: Duplication.
Coding change: c.2814dup on transcript NM_021076.4 (MANE Select); coding-DNA position 2814, one base duplicated (C; older notation c.2814dupC).
Protein change: p.Lys939fs; shifts the reading frame from lysine 939.
Molecular consequence: frameshift variant.
Genome position (GRCh38, 1-based): chr22:29,490,454, C duplicated; the last of 2 consecutive C bases (chr22:29,490,453-29,490,454); duplicating either gives the same sequence. VCF-style (leftmost placement, unchanged base first): chr22-29490452-G-GC. GRCh37 (hg19) VCF-style: chr22-29886441-G-GC.
Other names: short protein forms K939fs.
Identifiers: ClinVar variation 4292242 (VCV004292242.1).

ClinVar aggregate classification (germline): Uncertain significance (1 of 4 stars; one submission).

Conditions:
Charcot-Marie-Tooth disease axonal type 2CC. Also called: CHARCOT-MARIE-TOOTH NEUROPATHY, TYPE 2CC. Identifiers: MedGen C4310790, MONDO:0014836, OMIM 616924.

Submission:

3billion
Classification: Uncertain significance for Charcot-Marie-Tooth disease axonal type 2CC. Last evaluated: 2024-11-25. Review status: criteria provided, single submitter. Criteria: ACMG Guidelines, 2015. Collection method: clinical testing. Allele origin: germline. Affected: yes.
Comment: The variant is not observed in the gnomAD v4.1.0 dataset. Predicted Consequence/Location: Frameshift: predicted to result in a loss or disruption of normal protein function through protein truncation. The predicted truncated protein may be shortened by less than 10%. Therefore, this variant is classified as VUS according to the recommendation of ACMG/AMP guideline.